The following is an entry in ClinVar:

NM_007373.4(SHOC2):c.1693C>A (p.Pro565Thr)

Gene: SHOC2 (SHOC2 leucine rich repeat scaffold protein; plus strand). Cytogenetic location: 10q25.2.
Variant type: single nucleotide variant.
Coding change: c.1693C>A on transcript NM_007373.4 (MANE Select); coding-DNA position 1693, C replaced by A.
Protein change: p.Pro565Thr; replaces proline 565 with threonine.
Molecular consequence: missense variant. On other transcripts: non-coding transcript variant (1).
Genome position (GRCh38, 1-based): chr10:111,011,762, C>A. VCF-style: chr10-111011762-C-A. GRCh37 (hg19) VCF-style: chr10-112771520-C-A.
Other names: c.1555C>A, p.Pro519Thr (NM_001269039.3); c.1693C>A, p.Pro565Thr (NM_001324336.2, NM_001324337.2); short protein forms P519T, P565T.
Identifiers: ClinVar variation 2849663 (VCV002849663.3), dbSNP rs867721890, ClinGen allele CA378526574.
Genomic context (GRCh38, chr10:111,011,762, plus strand): 5'-ATCATGAGTATTGAGAACTGTCCACTCAGTCACCTTCCACCTCAGATTGTTGCTGGGGGG[C>A]CTTCTTTCATCATTCAGTTCTTAAAGATGCAGGGTCCATATCGTGCCATGGTCTGATATA-3'
Protein context (NP_031399.2, residues 555-575): HLPPQIVAGG[Pro565Thr]SFIIQFLKMQ

ClinVar aggregate classification (germline): Uncertain significance (1 of 4 stars; one submission).

Conditions:
RASopathy. Also called: Noonan spectrum disorder; rasopathies. Identifiers: Orphanet 536391, MedGen C5555857, MONDO:0021060.

Allele frequency attached by ClinVar (database versions not stated): gnomAD exomes below 0.00001.
gnomAD v4.1: 1 of 1,613,912 alleles (0.000062%); highest among the groups gnomAD compares: Non-Finnish European, 0.000085%; no homozygotes.

Submission:

Labcorp Genetics (formerly Invitae), Labcorp
Classification: Uncertain significance for RASopathy. Last evaluated: 2025-11-17. Review status: criteria provided, single submitter. Criteria: Invitae Variant Classification Sherloc (09022015). Collection method: clinical testing. Allele origin: germline.
Comment: This sequence change replaces proline, which is neutral and non-polar, with threonine, which is neutral and polar, at codon 565 of the SHOC2 protein (p.Pro565Thr). This variant is not present in population databases (gnomAD no frequency). This variant has not been reported in the literature in individuals affected with SHOC2-related conditions. ClinVar contains an entry for this variant (Variation ID: 2849663). Invitae Evidence Modeling of protein sequence and biophysical properties (such as structural, functional, and spatial information, amino acid conservation, physicochemical variation, residue mobility, and thermodynamic stability) indicates that this missense variant is expected to disrupt SHOC2 protein function with a positive predictive value of 80%. In summary, the available evidence is currently insufficient to determine the role of this variant in disease. Therefore, it has been classified as a Variant of Uncertain Significance.